The following is an entry in ClinVar:

NM_000492.4(CFTR):c.2404T>G (p.Leu802Val)

Gene: CFTR (CF transmembrane conductance regulator; plus strand). Cytogenetic location: 7q31.2.
Variant type: single nucleotide variant.
Coding change: c.2404T>G on transcript NM_000492.4 (MANE Select); coding-DNA position 2404, T replaced by G.
Protein change: p.Leu802Val; replaces leucine 802 with valine.
Molecular consequence: missense variant.
Genome position (GRCh38, 1-based): chr7:117,592,571, T>G. VCF-style: chr7-117592571-T-G. GRCh37 (hg19) VCF-style: chr7-117232625-T-G.
Other names: short protein forms L802V.
Identifiers: ClinVar variation 1790779 (VCV001790779.2), dbSNP rs2485110712, ClinGen allele CA368981151.

ClinVar aggregate classification (germline): Uncertain significance (1 of 4 stars; one submission).

Conditions:
Cystic fibrosis (CF). Also called: MUCOVISCIDOSIS. Identifiers: Orphanet 586, MedGen C0010674, MONDO:0009061, OMIM 219700. Disease mechanism: loss of function.

Submission:

Ambry Genetics
Classification: Uncertain significance for Cystic fibrosis. Last evaluated: 2016-06-06. Review status: criteria provided, single submitter. Criteria: Ambry Variant Classification Scheme 2023. Collection method: clinical testing. Allele origin: germline.
Comment: The p.L802V variant (also known as c.2404T>G), located in coding exon 14 of the CFTR gene, results from a T to G substitution at nucleotide position 2404. The leucine at codon 802 is replaced by valine, an amino acid with highly similar properties. This variant was not reported in population based cohorts in the following databases: Database of Single Nucleotide Polymorphisms (dbSNP), NHLBI Exome Sequencing Project (ESP), and 1000 Genomes Project. In the ESP, this variant was not observed in 6503 samples (13006 alleles) with coverage at this position. This amino acid position is not well conserved in available vertebrate species. In addition, the in silico prediction for this alteration is inconclusive. Since supporting evidence is limited at this time, the clinical significance of this variant remains unclear.